The following is an entry in ClinVar:

NM_004629.2(FANCG):c.766C>T (p.His256Tyr)

Gene: FANCG (FA complementation group G; minus strand). Cytogenetic location: 9p13.3.
Variant type: single nucleotide variant.
Coding change: c.766C>T on transcript NM_004629.2 (MANE Select); coding-DNA position 766, C replaced by T.
Protein change: p.His256Tyr; replaces histidine 256 with tyrosine.
Molecular consequence: missense variant.
Genome position (GRCh38, 1-based): chr9:35,076,982, G>A on the plus strand (C>T on the coding strand, the complement: FANCG is on the minus strand). VCF-style: chr9-35076982-G-A. GRCh37 (hg19) VCF-style: chr9-35076979-G-A.
Other names: short protein forms H256Y.
Identifiers: ClinVar variation 649214 (VCV000649214.15), dbSNP rs753955326, ClinGen allele CA5039967.

ClinVar aggregate classification (germline): Conflicting classifications of pathogenicity. Review status: criteria provided, conflicting classifications (1 of 4 stars). 7 submissions from 7 submitters: Uncertain significance (4); Likely benign (2). 1 of the submissions does not count toward it. Last evaluated 2026-04-01.

Conditions:
Inborn genetic diseases. Identifiers: MedGen C0950123, MeSH D030342.
Fanconi anemia (FA). Also called: Fanconi's anemia. Identifiers: Orphanet 84, MedGen C0015625, MeSH D005199, MONDO:0019391.
Fanconi anemia complementation group G. Also called: Fanconi anemia group G; FANCG-Related Fanconi Anemia. Identifiers: Orphanet 84, MedGen C3469527, MONDO:0013565, OMIM 614082.

Allele frequency attached by ClinVar (database versions not stated): gnomAD 0.00001; gnomAD exomes 0.00006 and 0.00012; TOPMed 0.00006; ExAC 0.00009.
gnomAD v4.1: 38 of 1,614,106 alleles (0.0024%); highest among the groups gnomAD compares: Admixed American, 0.062%; no homozygotes.

Submissions (7):

CeGaT Center for Human Genetics Tuebingen
Classification: Likely benign. Last evaluated: 2026-04-01. Review status: criteria provided, single submitter. Criteria: CeGaT Center For Human Genetics Tuebingen Variant Classification Criteria Version 2. Collection method: clinical testing. Allele origin: germline. Affected: yes. Observed: 1 variant allele.
Comment: FANCG: BP4

Ambry Genetics
Classification: Likely benign for Inborn genetic diseases. Last evaluated: 2024-11-22. Review status: criteria provided, single submitter. Criteria: Ambry Variant Classification Scheme 2023. Collection method: clinical testing. Allele origin: germline.

Labcorp Genetics (formerly Invitae), Labcorp
Classification: Uncertain significance for Fanconi anemia. Last evaluated: 2022-08-15. Review status: criteria provided, single submitter. Criteria: Invitae Variant Classification Sherloc (09022015). Collection method: clinical testing. Allele origin: germline.
Comment: This sequence change replaces histidine, which is basic and polar, with tyrosine, which is neutral and polar, at codon 256 of the FANCG protein (p.His256Tyr). This variant is present in population databases (rs753955326, gnomAD 0.09%). This variant has not been reported in the literature in individuals affected with FANCG-related conditions. ClinVar contains an entry for this variant (Variation ID: 649214). Algorithms developed to predict the effect of missense changes on protein structure and function (SIFT, PolyPhen-2, Align-GVGD) all suggest that this variant is likely to be tolerated. In summary, the available evidence is currently insufficient to determine the role of this variant in disease. Therefore, it has been classified as a Variant of Uncertain Significance.

Fulgent Genetics
Classification: Uncertain significance for Fanconi anemia complementation group G. Last evaluated: 2022-05-27. Review status: criteria provided, single submitter. Criteria: ACMG Guidelines, 2015. Collection method: clinical testing. Allele origin: unknown.

Baylor Genetics
Classification: Uncertain significance for Fanconi anemia complementation group G. Last evaluated: 2020-08-30. Review status: criteria provided, single submitter. Criteria: ACMG Guidelines, 2015. Collection method: clinical testing. Allele origin: unknown. Affected: yes. Study: CSER-TexasKidsCanSeq.
Comment: This variant was determined to be of uncertain significance according to ACMG Guidelines, 2015 [PMID:25741868].

Genetic Services Laboratory, University of Chicago
Classification: Uncertain significance. Last evaluated: 2019-08-01. Review status: criteria provided, single submitter. Criteria: ACMG Guidelines, 2015. Collection method: clinical testing. Allele origin: germline. Affected: no.

Natera, Inc.
Classification: Uncertain significance for Fanconi anemia group G. Last evaluated: 2020-09-16. Review status: no assertion criteria provided. Collection method: clinical testing. Allele origin: germline. Not counted in ClinVar's aggregate classification.